The following is an entry in ClinVar:

ClinVar aggregate classification (germline): Pathogenic (1 of 4 stars; one submission).

Allele frequency attached by ClinVar (database versions not stated): gnomAD 0.00001; gnomAD exomes 0.00001; TOPMed 0.00003.
gnomAD v4.1: 6 of 1,613,770 alleles (0.00037%); highest among the groups gnomAD compares: African/African-American, 0.0053%; no homozygotes.

Submission:

Labcorp Genetics (formerly Invitae), Labcorp
Classification: Pathogenic. Last evaluated: 2023-09-09. Review status: criteria provided, single submitter. Criteria: Invitae Variant Classification Sherloc (09022015). Collection method: clinical testing. Allele origin: germline.
Comment: This sequence change creates a premature translational stop signal (p.Gln363*) in the IFT81 gene. It is expected to result in an absent or disrupted protein product. Loss-of-function variants in IFT81 are known to be pathogenic (PMID: 26275418, 27666822). This variant is present in population databases (no rsID available, gnomAD 0.01%). This variant has not been reported in the literature in individuals affected with IFT81-related conditions. Algorithms developed to predict the effect of sequence changes on RNA splicing suggest that this variant may disrupt the consensus splice site. For these reasons, this variant has been classified as Pathogenic.

Literature cited by the submitters: PubMed 26275418; PubMed 27666822.

NM_014055.4(IFT81):c.1087C>T (p.Gln363Ter)

Gene: IFT81 (intraflagellar transport 81; plus strand). Cytogenetic location: 12q24.11.
Variant type: single nucleotide variant.
Coding change: c.1087C>T on transcript NM_014055.4 (MANE Select); coding-DNA position 1087, C replaced by T.
Protein change: p.Gln363Ter; replaces glutamine 363 with a stop codon.
Molecular consequence: nonsense. On other transcripts: non-coding transcript variant (4).
Genome position (GRCh38, 1-based): chr12:110,162,964, C>T. VCF-style: chr12-110162964-C-T. GRCh37 (hg19) VCF-style: chr12-110600769-C-T.
Other names: c.1087C>T, p.Gln363Ter (NM_001143779.2, NM_001347946.2, NM_031473.4); c.157C>T, p.Gln53Ter (NM_001347947.2, NM_001347948.2); short protein forms Q53*, Q363*.
Identifiers: ClinVar variation 3012449 (VCV003012449.3), dbSNP rs1037434723, ClinGen allele CA243928019.